The following is an entry in ClinVar:

ClinVar aggregate classification (germline): Likely benign. Review status: criteria provided, multiple submitters, no conflicts (2 of 4 stars). 2 submissions from 2 submitters: Likely benign (2). Last evaluated 2026-02-10.

Conditions:
Dilated cardiomyopathy 1G (CMD1G). Identifiers: Orphanet 154, MedGen C1858763, MONDO:0011400, OMIM 604145.
Autosomal recessive limb-girdle muscular dystrophy type 2J (LGMDR10). Also called: Limb-girdle muscular dystrophy, type 2J; MUSCULAR DYSTROPHY, LIMB-GIRDLE, AUTOSOMAL RECESSIVE 10. Identifiers: Orphanet 140922, MedGen C1837342, MONDO:0012127, OMIM 608807.
TTN-related disorder. Also called: TTN-related disorders; TTN-related condition; TTN-related disease.

Allele frequency attached by ClinVar (database versions not stated): gnomAD exomes below 0.00001; gnomAD 0.00001; TOPMed 0.00001.
gnomAD v4.1: 2 of 1,613,064 alleles (0.00012%); highest among the groups gnomAD compares: African/African-American, 0.0027%; no homozygotes.

Submissions (2):

PreventionGenetics, part of Exact Sciences
Classification: Likely benign for TTN-related condition. Last evaluated: 2026-02-10. Review status: criteria provided, single submitter. Criteria: ACMG Guidelines, 2015. Collection method: clinical testing. Allele origin: germline.
Comment: This variant is classified as likely benign based on ACMG/AMP sequence variant interpretation guidelines (Richards et al. 2015 PMID: 25741868, with internal and published modifications).

Labcorp Genetics (formerly Invitae), Labcorp
Classification: Likely benign for Dilated cardiomyopathy 1G; Autosomal recessive limb-girdle muscular dystrophy type 2J. Last evaluated: 2024-01-31. Review status: criteria provided, single submitter. Criteria: Invitae Variant Classification Sherloc (09022015). Collection method: clinical testing. Allele origin: germline.

NM_001267550.2(TTN):c.76386T>C (p.Asn25462=)

Genes: TTN (titin; minus strand), TTN-AS1 (TTN antisense RNA 1; plus strand). Cytogenetic location: 2q31.2.
Variant type: single nucleotide variant.
Coding change: c.76386T>C on transcript NM_001267550.2 (MANE Select); coding-DNA position 76386, T replaced by C.
Protein change: p.Asn25462=; no amino-acid change (asparagine 25462 retained).
Molecular consequence: synonymous variant.
Genome position (GRCh38, 1-based): chr2:178,569,746, A>G on the plus strand (T>C on the coding strand, the complement: TTN is on the minus strand). VCF-style: chr2-178569746-A-G. GRCh37 (hg19) VCF-style: chr2-179434473-A-G.
Other names: c.71463T>C, p.Asn23821= (NM_001256850.1); c.49191T>C, p.Asn16397= (NM_003319.4); c.68682T>C, p.Asn22894= (NM_133378.4); c.49566T>C, p.Asn16522= (NM_133432.3); c.49767T>C, p.Asn16589= (NM_133437.4).
Identifiers: ClinVar variation 1575504 (VCV001575504.9), dbSNP rs747509537, ClinGen allele CA1989919.